The following is an entry in ClinVar:

NM_001370259.2(MEN1):c.767T>C (p.Leu256Pro)

Gene: MEN1 (menin 1; minus strand). Cytogenetic location: 11q13.1.
Variant type: single nucleotide variant.
Coding change: c.767T>C on transcript NM_001370259.2 (MANE Select); coding-DNA position 767, T replaced by C.
Protein change: p.Leu256Pro; replaces leucine 256 with proline.
Molecular consequence: missense variant. On other transcripts: non-coding transcript variant (4).
Genome position (GRCh38, 1-based): chr11:64,807,568, A>G on the plus strand (T>C on the coding strand, the complement: MEN1 is on the minus strand). VCF-style: chr11-64807568-A-G. GRCh37 (hg19) VCF-style: chr11-64575040-A-G.
Other names: c.782T>C, p.Leu261Pro (NM_000244.4, NM_001407145.1, NM_001407150.1 and 5 more transcripts); c.767T>C, p.Leu256Pro (NM_001370251.2, NM_001370260.2, NM_001370261.2 and 7 more transcripts); c.662T>C, p.Leu221Pro (NM_001370262.2, NM_001370263.2, NM_001407148.1 and 2 more transcripts); short protein forms L256P, L261P, L221P.
Identifiers: ClinVar variation 2859403 (VCV002859403.3), dbSNP rs2497203524, ClinGen allele CA381184191.

ClinVar aggregate classification (germline): Likely pathogenic (1 of 4 stars; one submission).

Conditions:
Multiple endocrine neoplasia, type 1 (MEN1). Also called: MEA I; MEN I; WERMER SYNDROME; Endocrine adenomatosis multiple; MEN 1. Identifiers: Orphanet 652, MedGen C0025267, MeSH D018761, MONDO:0007540, OMIM 131100.

Submission:

Labcorp Genetics (formerly Invitae), Labcorp
Classification: Likely pathogenic for Multiple endocrine neoplasia, type 1. Last evaluated: 2023-04-26. Review status: criteria provided, single submitter. Criteria: Invitae Variant Classification Sherloc (09022015). Collection method: clinical testing. Allele origin: germline.
Comment: This variant disrupts the p.Leu256 amino acid residue in MEN1. Other variant(s) that disrupt this residue have been determined to be pathogenic (PMID: 17623761, 29497973, 30374176; Invitae). This suggests that this residue is clinically significant, and that variants that disrupt this residue are likely to be disease-causing. In summary, the currently available evidence indicates that the variant is pathogenic, but additional data are needed to prove that conclusively. Therefore, this variant has been classified as Likely Pathogenic. Advanced modeling of protein sequence and biophysical properties (such as structural, functional, and spatial information, amino acid conservation, physicochemical variation, residue mobility, and thermodynamic stability) performed at Invitae indicates that this missense variant is expected to disrupt MEN1 protein function. This variant has not been reported in the literature in individuals affected with MEN1-related conditions. This variant is not present in population databases (gnomAD no frequency). This sequence change replaces leucine, which is neutral and non-polar, with proline, which is neutral and non-polar, at codon 256 of the MEN1 protein (p.Leu256Pro).

Literature cited by the submitters: PubMed 17623761; PubMed 29497973; PubMed 30374176.